The following is an entry in ClinVar:

NM_000059.4(BRCA2):c.6915G>A (p.Lys2305=)

Gene: BRCA2 (BRCA2 DNA repair associated; plus strand). Cytogenetic location: 13q13.1.
Variant type: single nucleotide variant.
Coding change: c.6915G>A on transcript NM_000059.4 (MANE Select); coding-DNA position 6915, G replaced by A.
Protein change: p.Lys2305=; no amino-acid change (lysine 2305 retained).
Molecular consequence: synonymous variant.
Genome position (GRCh38, 1-based): chr13:32,344,631, G>A. VCF-style: chr13-32344631-G-A. GRCh37 (hg19) VCF-style: chr13-32918768-G-A.
Identifiers: ClinVar variation 495493 (VCV000495493.22), dbSNP rs1555285156, ClinGen allele CA483275534.
Genomic context (GRCh38, chr13:32,344,631, plus strand): 5'-CAAAAGAAACTTATTAAATGAATTTGACAGGATAATAGAAAATCAAGAAAAATCCTTAAA[G>A]GCTTCAAAAAGCACTCCAGATGGTAAAATTAGCTTTTTATTTATATCTGTTCTCCCTCTA-3'
Protein context (NP_000050.3, residues 2295-2315): RIIENQEKSL[Lys2305=]ASKSTPDGTI

ClinVar aggregate classification (germline): Conflicting classifications of pathogenicity. Review status: criteria provided, conflicting classifications (1 of 4 stars). 7 submissions from 7 submitters: Uncertain significance (2); Likely benign (5). Last evaluated 2025-09-01.

Conditions:
Hereditary breast ovarian cancer syndrome. Also called: Hereditary breast and ovarian cancer syndrome; BRCA1- and BRCA2-Associated Hereditary Breast and Ovarian Cancer; Hereditary breast and ovarian cancer syndrome (HBOC); Hereditary breast and/or ovarian cancer syndrome; Hereditary breast and ovarian cancer; Breast and ovarian cancer. Identifiers: Orphanet 145, MedGen C0677776, MeSH D061325, MONDO:0003582. Disease mechanism: loss of function.
Breast-ovarian cancer, familial, susceptibility to, 2 (BROVCA2). Also called: BRCA2 Hereditary Breast and Ovarian Cancer. Identifiers: Orphanet 145, MedGen C2675520, MONDO:0012933, OMIM 612555. Disease mechanism: loss of function.
BRCA2-related cancer predisposition. Identifiers: MedGen CN377758, MONDO:0700269.
Hereditary cancer-predisposing syndrome. Also called: Hereditary Cancer Syndrome; Neoplastic Syndromes, Hereditary; Tumor predisposition; Hereditary neoplastic syndrome. Identifiers: Orphanet 140162, MedGen C0027672, MeSH D009386, MONDO:0015356.

gnomAD v4.1: 1 of 1,579,610 alleles (0.000063%); highest among the groups gnomAD compares: Non-Finnish European, 0.000087%; no homozygotes.

Submissions (7):

Labcorp Genetics (formerly Invitae), Labcorp
Classification: Likely benign for Hereditary breast ovarian cancer syndrome. Last evaluated: 2025-09-01. Review status: criteria provided, single submitter. Criteria: Invitae Variant Classification Sherloc (09022015). Collection method: clinical testing. Allele origin: germline.

All of Us Research Program, National Institutes of Health
Classification: Likely benign for BRCA2-related cancer predisposition. Last evaluated: 2024-06-11. Review status: criteria provided, single submitter. Criteria: ACMG Guidelines, 2015. Collection method: clinical testing. Allele origin: germline. Inheritance: Autosomal dominant inheritance. Observed: 1 variant allele, 1 heterozygote.
Comment: This study involves interpretation of variants in research participants for the purpose of population health screening. Participant phenotype was not available at the time of variant classification. Additional details can be found in publication PMID: 35346344, PMCID: PMC8962531

Genetics and Molecular Pathology, SA Pathology
Classification: Uncertain significance for Breast-ovarian cancer, familial, susceptibility to, 2. Last evaluated: 2021-07-26. Review status: criteria provided, single submitter. Criteria: ACMG Guidelines, 2015. Collection method: clinical testing. Allele origin: germline. Affected: yes.

Women's Health and Genetics/Laboratory Corporation of America, LabCorp
Classification: Likely benign. Last evaluated: 2019-08-21. Review status: criteria provided, single submitter. Criteria: LabCorp Variant Classification Summary - May 2015. Collection method: clinical testing. Allele origin: germline.

Color Diagnostics, LLC DBA Color Health
Classification: Likely benign for Hereditary cancer-predisposing syndrome. Last evaluated: 2019-02-28. Review status: criteria provided, single submitter. Criteria: ACMG Guidelines, 2015. Collection method: clinical testing. Allele origin: germline.

Quest Diagnostics Nichols Institute San Juan Capistrano
Classification: Uncertain significance. Last evaluated: 2018-10-18. Review status: criteria provided, single submitter. Criteria: Quest Diagnostics criteria. Collection method: clinical testing. Allele origin: germline.

Ambry Genetics
Classification: Likely benign for Hereditary cancer-predisposing syndrome. Last evaluated: 2018-09-07. Review status: criteria provided, single submitter. Criteria: Ambry Variant Classification Scheme 2023. Collection method: clinical testing. Allele origin: germline.